The following is an entry in ClinVar:

NM_002474.3(MYH11):c.3672_3674del (p.Lys1224del)

Gene: MYH11 (myosin heavy chain 11; minus strand). Cytogenetic location: 16p13.11.
Variant type: Deletion.
Coding change: c.3672_3674del on transcript NM_002474.3 (MANE Select); coding-DNA positions 3672 to 3674, 3 bases deleted (GAA; older notation c.3672_3674delGAA).
Protein change: p.Lys1224del; deletes lysine 1224.
Molecular consequence: inframe deletion.
Genome position (GRCh38, 1-based): chr16:15,727,032-15,727,034, TTC deleted on the plus strand (GAA on the coding strand, the reverse complement: MYH11 is on the minus strand); deleting any 3 consecutive bases within chr16:15,727,032-15,727,036 gives the same sequence; the c. name uses the placement nearest the transcript's 3' end. VCF-style (leftmost placement, unchanged base first): chr16-15727031-ATTC-A. GRCh37 (hg19) VCF-style: chr16-15820888-ATTC-A.
Other names: c.3693_3695del, p.Lys1231del (NM_001040113.2, NM_001040114.2); c.3672_3674del, p.Lys1224del (NM_022844.3); short protein forms K1224del, K1231del.
Identifiers: ClinVar variation 1733801 (VCV001733801.5), dbSNP rs770075112, ClinGen allele CA7921922.

ClinVar aggregate classification (germline): Uncertain significance. Review status: criteria provided, multiple submitters, no conflicts (2 of 4 stars). 3 submissions from 3 submitters: Uncertain significance (3). Last evaluated 2024-08-27.

Conditions:
Familial thoracic aortic aneurysm and aortic dissection (TAAD). Also called: Thoracic aortic aneurysms and dissections. Identifiers: Orphanet 91387, MedGen C4707243, MONDO:0019625.
Aortic aneurysm, familial thoracic 4 (AAT4). Also called: AORTIC ANEURYSM/AORTIC DISSECTION AND PATENT DUCTUS ARTERIOSUS. Identifiers: MedGen C1851504, MONDO:0007568, OMIM 132900.

Submissions (3):

Labcorp Genetics (formerly Invitae), Labcorp
Classification: Uncertain significance for Aortic aneurysm, familial thoracic 4. Last evaluated: 2024-08-27. Review status: criteria provided, single submitter. Criteria: Invitae Variant Classification Sherloc (09022015). Collection method: clinical testing. Allele origin: germline.
Comment: This variant, c.3693_3695del, results in the deletion of 1 amino acid(s) of the MYH11 protein (p.Lys1231del), but otherwise preserves the integrity of the reading frame. This variant is present in population databases (rs770075112, gnomAD 0.004%). This variant has not been reported in the literature in individuals affected with MYH11-related conditions. ClinVar contains an entry for this variant (Variation ID: 1733801). Experimental studies and prediction algorithms are not available or were not evaluated, and the functional significance of this variant is currently unknown. In summary, the available evidence is currently insufficient to determine the role of this variant in disease. Therefore, it has been classified as a Variant of Uncertain Significance.

All of Us Research Program, National Institutes of Health
Classification: Uncertain significance for Familial thoracic aortic aneurysm and aortic dissection. Last evaluated: 2023-12-01. Review status: criteria provided, single submitter. Criteria: ACMG Guidelines, 2015. Collection method: clinical testing. Allele origin: germline. Inheritance: Autosomal dominant inheritance. Observed: 1 variant allele, 1 heterozygote.
Comment: This study involves interpretation of variants in research participants for the purpose of population health screening. Participant phenotype was not available at the time of variant classification. Additional details can be found in publication PMID: 35346344, PMCID: PMC8962531

Ambry Genetics
Classification: Uncertain significance for Familial thoracic aortic aneurysm and aortic dissection. Last evaluated: 2021-01-07. Review status: criteria provided, single submitter. Criteria: Ambry Variant Classification Scheme 2023. Collection method: clinical testing. Allele origin: germline.
Comment: The c.3672_3674delGAA variant (also known as p.K1224del) is located in coding exon 27 of the MYH11 gene. This variant results from an in-frame GAA deletion at nucleotide positions 3672 to 3674. This results in the in-frame deletion of a lysine at codon 1224. This amino acid position is highly conserved in available vertebrate species. In addition, this alteration is predicted to be deleterious by in silico analysis (Choi Y et al. PLoS ONE. 2012; 7(10):e46688). Since supporting evidence is limited at this time, the clinical significance of this alteration remains unclear.